The following is an entry in ClinVar:

ClinVar aggregate classification (germline): Uncertain significance (1 of 4 stars; one submission).

Submission:

Labcorp Genetics (formerly Invitae), Labcorp
Classification: Uncertain significance. Last evaluated: 2024-02-17. Review status: criteria provided, single submitter. Criteria: Invitae Variant Classification Sherloc (09022015). Collection method: clinical testing. Allele origin: germline.
Comment: This sequence change replaces tyrosine, which is neutral and polar, with serine, which is neutral and polar, at codon 158 of the C9 protein (p.Tyr158Ser). This variant is not present in population databases (gnomAD no frequency). This variant has not been reported in the literature in individuals affected with C9-related conditions. ClinVar contains an entry for this variant (Variation ID: 1448775). Advanced modeling of protein sequence and biophysical properties (such as structural, functional, and spatial information, amino acid conservation, physicochemical variation, residue mobility, and thermodynamic stability) performed at Invitae indicates that this missense variant is not expected to disrupt C9 protein function with a negative predictive value of 80%. In summary, the available evidence is currently insufficient to determine the role of this variant in disease. Therefore, it has been classified as a Variant of Uncertain Significance.

NM_001737.5(C9):c.473A>C (p.Tyr158Ser)

Gene: C9 (complement C9; minus strand). Cytogenetic location: 5p13.1.
Variant type: single nucleotide variant.
Coding change: c.473A>C on transcript NM_001737.5 (MANE Select); coding-DNA position 473, A replaced by C.
Protein change: p.Tyr158Ser; replaces tyrosine 158 with serine.
Molecular consequence: missense variant.
Genome position (GRCh38, 1-based): chr5:39,341,149, T>G on the plus strand (A>C on the coding strand, the complement: C9 is on the minus strand). VCF-style: chr5-39341149-T-G. GRCh37 (hg19) VCF-style: chr5-39341251-T-G.
Other names: short protein forms Y158S.
Identifiers: ClinVar variation 1448775 (VCV001448775.6), dbSNP rs2111952702, ClinGen allele CA359562766.
Genomic context (GRCh38, chr5:39,341,149, plus strand): 5'-GAGATGGAGATCATTTTCACTCATTTTCATCTGAAAAAGTACAAGTAAAATACACACCCA[T>G]AGCCTGCTGTTCGTGCCAGCTCAGACTCTTCTACCACTCTGTCTCTGCAGGGGGGACGGG-3'
Protein context (NP_001728.1, residues 148-168): EESELARTAG[Tyr158Ser]GINILGMDPL